The following is an entry in ClinVar:

NM_006939.4(SOS2):c.2272C>T (p.Pro758Ser)

Gene: SOS2 (SOS Ras/Rho guanine nucleotide exchange factor 2; minus strand). Cytogenetic location: 14q21.3.
Variant type: single nucleotide variant.
Coding change: c.2272C>T on transcript NM_006939.4 (MANE Select); coding-DNA position 2272, C replaced by T.
Protein change: p.Pro758Ser; replaces proline 758 with serine.
Molecular consequence: missense variant.
Genome position (GRCh38, 1-based): chr14:50,150,120, G>A on the plus strand (C>T on the coding strand, the complement: SOS2 is on the minus strand). VCF-style: chr14-50150120-G-A. GRCh37 (hg19) VCF-style: chr14-50616838-G-A.
Other names: c.2173C>T, p.Pro725Ser (NM_001411020.1); short protein forms P725S, P758S.
Identifiers: ClinVar variation 3381476 (VCV003381476.1).
Genomic context (GRCh38, chr14:50,150,120, plus strand): 5'-GAAGTGTCATGAGATCAAATGTTTCAAACTGTCCTGGTTTGCTGATATGCCATTCAATTG[G>A]TGGAGGTGGACTTTCAAAGGTAATATTATGGCTTACTCCGTTTGCCTGAGCTTGCTTCTT-3'
Protein context (NP_008870.2, residues 748-768): HNITFESPPP[Pro758Ser]IEWHISKPGQ

ClinVar aggregate classification (germline): Uncertain significance (1 of 4 stars; one submission).

gnomAD v4.1: 1 of 1,612,994 alleles (0.000062%); highest among the groups gnomAD compares: Non-Finnish European, 0.000085%; no homozygotes.

Submission:

GeneDx
Classification: Uncertain significance. Last evaluated: 2024-05-22. Review status: criteria provided, single submitter. Criteria: GeneDx Variant Classification Process June 2021. Collection method: clinical testing. Allele origin: germline. Affected: yes.
Comment: Not observed at significant frequency in large population cohorts (gnomAD); In silico analysis supports that this missense variant has a deleterious effect on protein structure/function; Has not been previously published as pathogenic or benign to our knowledge